The following is an entry in ClinVar:

NM_018975.4(TERF2IP):c.484G>A (p.Ala162Thr)

Gene: TERF2IP (TERF2 interacting protein; plus strand). Cytogenetic location: 16q23.1.
Variant type: single nucleotide variant.
Coding change: c.484G>A on transcript NM_018975.4 (MANE Select); coding-DNA position 484, G replaced by A.
Protein change: p.Ala162Thr; replaces alanine 162 with threonine.
Molecular consequence: missense variant. On other transcripts: non-coding transcript variant (1).
Genome position (GRCh38, 1-based): chr16:75,648,366, G>A. VCF-style: chr16-75648366-G-A. GRCh37 (hg19) VCF-style: chr16-75682264-G-A.
Other names: short protein forms A162T.
Identifiers: ClinVar variation 1743560 (VCV001743560.2), dbSNP rs759661798, ClinGen allele CA284334519.

ClinVar aggregate classification (germline): Uncertain significance (1 of 4 stars; one submission).

Allele frequency attached by ClinVar (database versions not stated): TOPMed below 0.00001.

Submission:

Ambry Genetics
Classification: Uncertain significance. Last evaluated: 2024-01-16. Review status: criteria provided, single submitter. Criteria: Ambry Variant Classification Scheme 2023. Collection method: clinical testing. Allele origin: germline.
Comment: The p.A162T variant (also known as c.484G>A), located in coding exon 1 of the TERF2IP gene, results from a G to A substitution at nucleotide position 484. The alanine at codon 162 is replaced by threonine, an amino acid with similar properties. This amino acid position is conserved. In addition, this alteration is predicted to be tolerated by in silico analysis. Since supporting evidence is limited at this time, the clinical significance of this alteration remains unclear.